The following is an entry in ClinVar:

NM_024120.5(NDUFAF5):c.217dup (p.Glu73fs)

Gene: NDUFAF5 (NADH:ubiquinone oxidoreductase complex assembly factor 5; plus strand). Cytogenetic location: 20p12.1.
Variant type: Duplication.
Coding change: c.217dup on transcript NM_024120.5 (MANE Select); coding-DNA position 217, one base duplicated (G; older notation c.217dupG).
Protein change: p.Glu73fs; shifts the reading frame from glutamic acid 73.
Molecular consequence: frameshift variant. On other transcripts: 5 prime UTR variant (3), non-coding transcript variant (7).
Genome position (GRCh38, 1-based): chr20:13,785,285, G duplicated; the last of 2 consecutive G bases (chr20:13,785,284-13,785,285); duplicating either gives the same sequence. VCF-style (leftmost placement, unchanged base first): chr20-13785283-A-AG. GRCh37 (hg19) VCF-style: chr20-13765929-A-AG.
Other names: c.217dup, p.Glu73fs (NM_001039375.3, NM_001352408.2); c.-151dup (NM_001352403.2); c.-365dup (NM_001352406.2); c.-479dup (NM_001352407.2); short protein forms E73fs.
Identifiers: ClinVar variation 2123793 (VCV002123793.4), dbSNP rs2516094740, ClinGen allele CA2580097882.

ClinVar aggregate classification (germline): Pathogenic (1 of 4 stars; one submission).

Submission:

Labcorp Genetics (formerly Invitae), Labcorp
Classification: Pathogenic. Last evaluated: 2022-04-09. Review status: criteria provided, single submitter. Criteria: Invitae Variant Classification Sherloc (09022015). Collection method: clinical testing. Allele origin: germline.
Comment: This sequence change creates a premature translational stop signal (p.Glu73Glyfs*13) in the NDUFAF5 gene. It is expected to result in an absent or disrupted protein product. Loss-of-function variants in NDUFAF5 are known to be pathogenic (PMID: 26275793, 30473481, 32918965). This variant is not present in population databases (gnomAD no frequency). This variant has not been reported in the literature in individuals affected with NDUFAF5-related conditions. For these reasons, this variant has been classified as Pathogenic.

Literature cited by the submitters: PubMed 26275793; PubMed 30473481; PubMed 32918965.